The following is an entry in ClinVar:

NM_000138.5(FBN1):c.7976_7977delinsTT (p.Cys2659Phe)

Gene: FBN1 (fibrillin 1; minus strand). Cytogenetic location: 15q21.1.
Variant type: Indel.
Coding change: c.7976_7977delinsTT on transcript NM_000138.5 (MANE Select); coding-DNA positions 7976 to 7977, GC replaced by TT.
Protein change: p.Cys2659Phe; replaces cysteine 2659 with phenylalanine.
Molecular consequence: missense variant.
Genome position (GRCh38, 1-based): chr15:48,415,610-48,415,611, GC replaced by AA on the plus strand (GC replaced by TT on the coding strand, the reverse complement: FBN1 is on the minus strand). VCF-style: chr15-48415610-GC-AA. GRCh37 (hg19) VCF-style: chr15-48707807-GC-AA.
Other names: c.7976_7977delGCinsTT, p.Cys2659Phe (NM_001406716.1); short protein forms C2659F.
Identifiers: ClinVar variation 2031446 (VCV002031446.4), dbSNP rs2505383004, ClinGen allele CA2580089627.
Genomic context (GRCh38, chr15:48,415,610, plus strand): 5'-GAAGTAACCAGGTGGACAGCCACACAGGTAACCGCCCTCGGTATTGGAACAGCCATAGCT[GC>AA]AGGGGGCCTGCGCAGAGCCACATTCATTGATGTCTTGGCATCCTCCACTGAACTGTTCAT-3'
Protein context (NP_000129.3, residues 2649-2669): INECGSAQAP[Cys2659Phe]SYGCSNTEGG

ClinVar aggregate classification (germline): Likely pathogenic (1 of 4 stars; one submission).

Conditions:
Familial thoracic aortic aneurysm and aortic dissection (TAAD). Also called: Thoracic aortic aneurysms and dissections. Identifiers: Orphanet 91387, MedGen C4707243, MONDO:0019625.
Marfan syndrome (MFS). Also called: MARFAN SYNDROME, TYPE I; Marfan syndrome type 1; Marfan's syndrome; Marfan syndrome, classic; FBN1-Related Marfan Syndrome. Identifiers: Orphanet 284963, Orphanet 558, MedGen C0024796, MONDO:0007947, OMIM 154700.

Submission:

Labcorp Genetics (formerly Invitae), Labcorp
Classification: Likely pathogenic for Marfan syndrome; Familial thoracic aortic aneurysm and aortic dissection. Last evaluated: 2022-11-26. Review status: criteria provided, single submitter. Criteria: Invitae Variant Classification Sherloc (09022015). Collection method: clinical testing. Allele origin: germline.
Comment: This missense change has been observed in individual(s) with Marfan syndrome (Invitae). Information on the frequency of this variant in the gnomAD database is not available, as this variant may be reported differently in the database. This sequence change replaces cysteine, which is neutral and slightly polar, with phenylalanine, which is neutral and non-polar, at codon 2659 of the FBN1 protein (p.Cys2659Phe). Algorithms developed to predict the effect of missense changes on protein structure and function are either unavailable or do not agree on the potential impact of this missense change (SIFT: "Not Available"; PolyPhen-2: "Probably Damaging"; Align-GVGD: "Not Available"). In summary, the currently available evidence indicates that the variant is pathogenic, but additional data are needed to prove that conclusively. Therefore, this variant has been classified as Likely Pathogenic. This variant disrupts the p.Cys2659 amino acid residue in FBN1. Other variant(s) that disrupt this residue have been observed in individuals with FBN1-related conditions (PMID: 26787436, 32679894; Invitae), which suggests that this may be a clinically significant amino acid residue. This variant affects a cysteine residue in the EGF-like, TGFBP or hybrid motif domains of FBN1. Cysteine residues are believed to be involved in intramolecular disulfide bridges and have been shown to be important for FBN1 protein structure (PMID: 16905551, 19349279). In addition, missense substitutions affecting cysteine residues within these domains are significantly overrepresented among patients with Marfan syndrome (PMID: 16571647, 17701892).

Literature cited by the submitters: PubMed 26787436; PubMed 32679894; PubMed 16905551; PubMed 19349279; PubMed 16571647; PubMed 17701892.